The following is an entry in ClinVar:

NM_001367624.2(ZNF469):c.11087C>T (p.Pro3696Leu)

Gene: ZNF469 (zinc finger protein 469; plus strand). Cytogenetic location: 16q24.2.
Variant type: single nucleotide variant.
Coding change: c.11087C>T on transcript NM_001367624.2 (MANE Select); coding-DNA position 11087, C replaced by T.
Protein change: p.Pro3696Leu; replaces proline 3696 with leucine.
Molecular consequence: missense variant.
Genome position (GRCh38, 1-based): chr16:88,438,557, C>T. VCF-style: chr16-88438557-C-T. GRCh37 (hg19) VCF-style: chr16-88504965-C-T.
Other names: NM_001127464.1:c.11003C>T; short protein forms P3696L.
Identifiers: ClinVar variation 3476157 (VCV003476157.1).

ClinVar aggregate classification (germline): Uncertain significance (1 of 4 stars; one submission).

Conditions:
Cardiovascular phenotype. Identifiers: MedGen CN230736.

gnomAD v4.1: 3 of 1,550,168 alleles (0.00019%); highest among the groups gnomAD compares: Non-Finnish European, 0.00026%; no homozygotes.

Submission:

Ambry Genetics
Classification: Uncertain significance for Cardiovascular phenotype. Last evaluated: 2024-07-07. Review status: criteria provided, single submitter. Criteria: Ambry Variant Classification Scheme 2023. Collection method: clinical testing. Allele origin: germline.
Comment: The p.P3668L variant (also known as c.11003C>T), located in coding exon 2 of the ZNF469 gene, results from a C to T substitution at nucleotide position 11003. The proline at codon 3668 is replaced by leucine, an amino acid with similar properties. This amino acid position is conserved. In addition, this alteration is predicted to be tolerated by in silico analysis. Based on the available evidence, the clinical significance of this variant remains unclear.